The following is an entry in ClinVar:

NM_014844.5(TECPR2):c.349-85T>C

Gene: TECPR2 (tectonin beta-propeller repeat containing 2; plus strand). Cytogenetic location: 14q32.31.
Variant type: single nucleotide variant.
Coding change: c.349-85T>C on transcript NM_014844.5 (MANE Select); 85 bases into the intron before coding-DNA position 349, T replaced by C.
Molecular consequence: intron variant.
Genome position (GRCh38, 1-based): chr14:102,408,403, T>C. VCF-style: chr14-102408403-T-C. GRCh37 (hg19) VCF-style: chr14-102874740-T-C.
Other names: c.349-85T>C (NM_001172631.3).
Identifiers: ClinVar variation 672792 (VCV000672792.2), dbSNP rs77092091, ClinGen allele CA267065819.

ClinVar aggregate classification (germline): Likely benign. Review status: criteria provided, multiple submitters, no conflicts (2 of 4 stars). 2 submissions from 2 submitters: Likely benign (2). Last evaluated 2018-06-14.

Allele frequency attached by ClinVar (database versions not stated): gnomAD 0.03717 and 0.03742; TOPMed 0.03854; 1000 Genomes Project 30x 0.03873; 1000 Genomes Project 0.03954.
gnomAD v4.1: 47,262 of 1,427,022 alleles (3.3%); highest among the groups gnomAD compares: Middle Eastern, 5.4%; 889 homozygotes.

Submissions (2):

GeneDx
Classification: Likely benign. Last evaluated: 2018-06-14. Review status: criteria provided, single submitter. Criteria: GeneDx Variant Classification (06012015). Collection method: clinical testing. Allele origin: germline. Affected: yes.
Comment: This variant is considered likely benign or benign based on one or more of the following criteria: it is a conservative change, it occurs at a poorly conserved position in the protein, it is predicted to be benign by multiple in silico algorithms, and/or has population frequency not consistent with disease.

Breakthrough Genomics
Classification: Likely benign. Review status: criteria provided, single submitter. Criteria: ACMG Guidelines, 2015. Collection method: not provided. Allele origin: germline. Inheritance: Autosomal recessive inheritance. Affected: yes.